The following is an entry in ClinVar:

ClinVar aggregate classification (germline): Pathogenic (1 of 4 stars; one submission).

Conditions:
Primary ciliary dyskinesia. Also called: Ciliary dyskinesia. Identifiers: Orphanet 244, MedGen C0008780, MONDO:0016575, HP:0012265.

Submission:

Labcorp Genetics (formerly Invitae), Labcorp
Classification: Pathogenic for Primary ciliary dyskinesia. Last evaluated: 2023-02-11. Review status: criteria provided, single submitter. Criteria: Invitae Variant Classification Sherloc (09022015). Collection method: clinical testing. Allele origin: germline.
Comment: This sequence change creates a premature translational stop signal (p.Arg38Serfs*6) in the CCDC39 gene. It is expected to result in an absent or disrupted protein product. Loss-of-function variants in CCDC39 are known to be pathogenic (PMID: 21131972, 23255504). For these reasons, this variant has been classified as Pathogenic. This variant has not been reported in the literature in individuals affected with CCDC39-related conditions. This variant is not present in population databases (gnomAD no frequency).

Literature cited by the submitters: PubMed 21131972; PubMed 23255504.

NM_181426.2(CCDC39):c.114_115del (p.Arg38fs)

Gene: CCDC39 (coiled-coil domain 39 molecular ruler complex subunit; minus strand). Cytogenetic location: 3q26.33.
Variant type: Microsatellite.
Coding change: c.114_115del on transcript NM_181426.2 (MANE Select); coding-DNA positions 114 to 115, 2 bases deleted (AG; older notation c.114_115delAG).
Protein change: p.Arg38fs; shifts the reading frame from arginine 38.
Molecular consequence: frameshift variant.
Genome position (GRCh38, 1-based): chr3:180,663,962-180,663,963, CT deleted on the plus strand (AG on the coding strand, the reverse complement: CCDC39 is on the minus strand); deleting any 2 consecutive bases within chr3:180,663,962-180,663,965 gives the same sequence; the c. name uses the placement nearest the transcript's 3' end. VCF-style (leftmost placement, unchanged base first): chr3-180663961-GCT-G. GRCh37 (hg19) VCF-style: chr3-180381749-GCT-G.
Other names: short protein forms R38fs.
Identifiers: ClinVar variation 2980917 (VCV002980917.3), dbSNP rs2473828784, ClinGen allele CA2668664961.